The following is an entry in ClinVar:

ClinVar aggregate classification (germline): Uncertain significance (1 of 4 stars; one submission).

Submission:

Labcorp Genetics (formerly Invitae), Labcorp
Classification: Uncertain significance. Last evaluated: 2025-04-04. Review status: criteria provided, single submitter. Criteria: Invitae Variant Classification Sherloc (09022015). Collection method: clinical testing. Allele origin: germline.
Comment: This sequence change replaces leucine, which is neutral and non-polar, with arginine, which is basic and polar, at codon 283 of the COL2A1 protein (p.Leu283Arg). This variant is not present in population databases (gnomAD no frequency). This variant has not been reported in the literature in individuals affected with COL2A1-related conditions. Invitae Evidence Modeling of protein sequence and biophysical properties (such as structural, functional, and spatial information, amino acid conservation, physicochemical variation, residue mobility, and thermodynamic stability) has been performed for this missense variant. However, the output from this modeling did not meet the statistical confidence thresholds required to predict the impact of this variant on COL2A1 protein function. In summary, the available evidence is currently insufficient to determine the role of this variant in disease. Therefore, it has been classified as a Variant of Uncertain Significance.

NM_001844.5(COL2A1):c.848T>G (p.Leu283Arg)

Gene: COL2A1 (collagen type II alpha 1 chain; minus strand). Cytogenetic location: 12q13.11.
Variant type: single nucleotide variant.
Coding change: c.848T>G on transcript NM_001844.5 (MANE Select); coding-DNA position 848, T replaced by G.
Protein change: p.Leu283Arg; replaces leucine 283 with arginine.
Molecular consequence: missense variant.
Genome position (GRCh38, 1-based): chr12:47,994,016, A>C on the plus strand (T>G on the coding strand, the complement: COL2A1 is on the minus strand). VCF-style: chr12-47994016-A-C. GRCh37 (hg19) VCF-style: chr12-48387799-A-C.
Other names: c.641T>G, p.Leu214Arg (NM_033150.3); short protein forms L214R, L283R.
Identifiers: ClinVar variation 4747078 (VCV004747078.1).